The following is an entry in ClinVar:

ClinVar aggregate classification (germline): Uncertain significance. Review status: criteria provided, multiple submitters, no conflicts (2 of 4 stars). 3 submissions from 3 submitters: Uncertain significance (3). Last evaluated 2025-06-27.

Conditions:
Autosomal recessive nonsyndromic hearing loss 97. Also called: Deafness, autosomal recessive 97. Identifiers: Orphanet 90636, MedGen C4084709, MONDO:0014739, OMIM 616705.
Renal cell carcinoma. Identifiers: Orphanet 217071, MedGen C0007134, MeSH D002292, MONDO:0005086, HP:0005584.
Hereditary cancer-predisposing syndrome. Also called: Tumor predisposition; Hereditary neoplastic syndrome; Neoplastic Syndromes, Hereditary; Hereditary Cancer Syndrome. Identifiers: Orphanet 140162, MedGen C0027672, MeSH D009386, MONDO:0015356.

Allele frequency attached by ClinVar (database versions not stated): gnomAD exomes below 0.00001; ExAC 0.00001; gnomAD 0.00001.
gnomAD v4.1: 3 of 1,614,066 alleles (0.00019%); no homozygotes.

Submissions (3):

Ambry Genetics
Classification: Uncertain significance for Hereditary cancer-predisposing syndrome. Last evaluated: 2025-06-27. Review status: criteria provided, single submitter. Criteria: Ambry Variant Classification Scheme 2023. Collection method: clinical testing. Allele origin: germline.
Comment: The p.V1069L variant (also known as c.3205G>C), located in coding exon 14 of the MET gene, results from a G to C substitution at nucleotide position 3205. The valine at codon 1069 is replaced by leucine, an amino acid with highly similar properties. This amino acid position is highly conserved in available vertebrate species. In addition, the in silico prediction for this alteration is inconclusive. Based on the available evidence, the clinical significance of this variant remains unclear.

Baylor Genetics
Classification: Uncertain significance for Autosomal recessive nonsyndromic hearing loss 97. Last evaluated: 2024-02-19. Review status: criteria provided, single submitter. Criteria: ACMG Guidelines, 2015. Collection method: clinical testing. Allele origin: unknown.

Labcorp Genetics (formerly Invitae), Labcorp
Classification: Uncertain significance for Renal cell carcinoma. Last evaluated: 2022-04-08. Review status: criteria provided, single submitter. Criteria: Invitae Variant Classification Sherloc (09022015). Collection method: clinical testing. Allele origin: germline.
Comment: This sequence change replaces valine, which is neutral and non-polar, with leucine, which is neutral and non-polar, at codon 1069 of the MET protein (p.Val1069Leu). In summary, the available evidence is currently insufficient to determine the role of this variant in disease. Therefore, it has been classified as a Variant of Uncertain Significance. Algorithms developed to predict the effect of missense changes on protein structure and function are either unavailable or do not agree on the potential impact of this missense change (SIFT: "Deleterious"; PolyPhen-2: "Benign"; Align-GVGD: "Class C0"). This variant has not been reported in the literature in individuals affected with MET-related conditions. This variant is present in population databases (rs775997318, gnomAD 0.009%).

NM_000245.4(MET):c.3151G>C (p.Val1051Leu)

Gene: MET (MET proto-oncogene, receptor tyrosine kinase; plus strand). Cytogenetic location: 7q31.2.
Variant type: single nucleotide variant.
Coding change: c.3151G>C on transcript NM_000245.4 (MANE Select); coding-DNA position 3151, G replaced by C.
Protein change: p.Val1051Leu; replaces valine 1051 with leucine.
Molecular consequence: missense variant.
Genome position (GRCh38, 1-based): chr7:116,775,003, G>C. VCF-style: chr7-116775003-G-C. GRCh37 (hg19) VCF-style: chr7-116415057-G-C.
Other names: c.3205G>C, p.Val1069Leu (NM_001127500.3); c.1861G>C, p.Val621Leu (NM_001324402.2); short protein forms V621L, V1051L, V1069L.
Identifiers: ClinVar variation 2159918 (VCV002159918.6), dbSNP rs775997318, ClinGen allele CA4448660.